The following is an entry in ClinVar:

ClinVar aggregate classification (germline): Uncertain significance. Review status: criteria provided, multiple submitters, no conflicts (2 of 4 stars). 2 submissions from 2 submitters: Uncertain significance (2). Last evaluated 2025-10-01.

Conditions:
Hereditary cancer-predisposing syndrome. Also called: Neoplastic Syndromes, Hereditary; Tumor predisposition; Hereditary Cancer Syndrome; Hereditary neoplastic syndrome. Identifiers: Orphanet 140162, MedGen C0027672, MeSH D009386, MONDO:0015356.
Familial adenomatous polyposis 1 (FAP1). Also called: FAMILIAL ADENOMATOUS POLYPOSIS 1, ATTENUATED; POLYPOSIS, ADENOMATOUS INTESTINAL. Identifiers: MedGen C2713442, MONDO:0021056, OMIM 175100. Disease mechanism: loss of function.

Allele frequency attached by ClinVar (database versions not stated): TOPMed below 0.00001; gnomAD 0.00001.

Submissions (2):

Labcorp Genetics (formerly Invitae), Labcorp
Classification: Uncertain significance for Familial adenomatous polyposis 1. Last evaluated: 2025-10-01. Review status: criteria provided, single submitter. Criteria: Invitae Variant Classification Sherloc (09022015). Collection method: clinical testing. Allele origin: germline.
Comment: This sequence change replaces serine, which is neutral and polar, with glycine, which is neutral and non-polar, at codon 2562 of the APC protein (p.Ser2562Gly). This variant is not present in population databases (gnomAD no frequency). This variant has not been reported in the literature in individuals affected with APC-related conditions. ClinVar contains an entry for this variant (Variation ID: 482473). Invitae Evidence Modeling of protein sequence and biophysical properties (such as structural, functional, and spatial information, amino acid conservation, physicochemical variation, residue mobility, and thermodynamic stability) indicates that this missense variant is not expected to disrupt APC protein function with a negative predictive value of 95%. In summary, the available evidence is currently insufficient to determine the role of this variant in disease. Therefore, it has been classified as a Variant of Uncertain Significance.

Ambry Genetics
Classification: Uncertain significance for Hereditary cancer-predisposing syndrome. Last evaluated: 2017-04-27. Review status: criteria provided, single submitter. Criteria: Ambry Variant Classification Scheme 2023. Collection method: clinical testing. Allele origin: germline.
Comment: The p.S2562G variant (also known as c.7684A>G), located in coding exon 15 of the APC gene, results from an A to G substitution at nucleotide position 7684. The serine at codon 2562 is replaced by glycine, an amino acid with similar properties. This amino acid position is highly conserved through mammals, however glycine is the reference amino acid in several lower vertebrate species. In addition, in silico predictors for this gene do not accurately predict pathogenicity. Since supporting evidence is limited at this time, the clinical significance of this alteration remains unclear.

NM_000038.6(APC):c.7684A>G (p.Ser2562Gly)

Gene: APC (APC regulator of Wnt signaling pathway; plus strand). Cytogenetic location: 5q22.2.
Variant type: single nucleotide variant.
Coding change: c.7684A>G on transcript NM_000038.6 (MANE Select); coding-DNA position 7684, A replaced by G.
Protein change: p.Ser2562Gly; replaces serine 2562 with glycine.
Molecular consequence: missense variant.
Genome position (GRCh38, 1-based): chr5:112,843,278, A>G. VCF-style: chr5-112843278-A-G. GRCh37 (hg19) VCF-style: chr5-112178975-A-G.
Other names: c.7684A>G, p.Ser2562Gly (NM_001127510.3, NM_001354895.2); c.7630A>G, p.Ser2544Gly (NM_001127511.3); c.7738A>G, p.Ser2580Gly (NM_001354896.2); c.7714A>G, p.Ser2572Gly (NM_001354897.2); c.7609A>G, p.Ser2537Gly (NM_001354898.2); c.7600A>G, p.Ser2534Gly (NM_001354899.2); c.7561A>G, p.Ser2521Gly (NM_001354900.2); c.7507A>G, p.Ser2503Gly (NM_001354901.2); and 5 more; short protein forms S2544G, S2562G, S2279G, S2402G, S2521G, S2436G, S2471G, S2534G.
Identifiers: ClinVar variation 482473 (VCV000482473.10), dbSNP rs1554088597, ClinGen allele CA16038018.